The following is an entry in ClinVar:

ClinVar aggregate classification (germline): Uncertain significance (1 of 4 stars; one submission).

Allele frequency attached by ClinVar (database versions not stated): gnomAD exomes below 0.00001; gnomAD 0.00001; TOPMed 0.00004.
gnomAD v4.1: 2 of 1,208,302 alleles (0.00017%); highest among the groups gnomAD compares: African/African-American, 0.0035%; no homozygotes.

Submission:

GeneDx
Classification: Uncertain significance. Last evaluated: 2023-03-08. Review status: criteria provided, single submitter. Criteria: GeneDx Variant Classification Process June 2021. Collection method: clinical testing. Allele origin: germline. Affected: yes.
Comment: Has not been previously published as pathogenic or benign to our knowledge; Not observed at significant frequency in large population cohorts (gnomAD); In silico analysis supports that this missense variant does not alter protein structure/function

NM_001379451.1(BCORL1):c.3928C>G (p.Gln1310Glu)

Gene: BCORL1 (BCL6 corepressor like 1; plus strand). Cytogenetic location: Xq26.1.
Variant type: single nucleotide variant.
Coding change: c.3928C>G on transcript NM_001379451.1 (MANE Select); coding-DNA position 3928, C replaced by G.
Protein change: p.Gln1310Glu; replaces glutamine 1310 with glutamic acid.
Molecular consequence: missense variant.
Genome position (GRCh38, 1-based): chrX:130,025,229, C>G. VCF-style: chrX-130025229-C-G. GRCh37 (hg19) VCF-style: chrX-129159204-C-G.
Other names: c.3928C>G, p.Gln1310Glu (NM_001184772.3, NM_001379450.1, NM_021946.5); short protein forms Q1310E.
Identifiers: ClinVar variation 1331165 (VCV001331165.4), dbSNP rs1333108304, ClinGen allele CA414598484.